The following is an entry in ClinVar:

NM_170707.4(LMNA):c.1834T>A (p.Ser612Thr)

Gene: LMNA (lamin A/C; plus strand). Cytogenetic location: 1q22.
Variant type: single nucleotide variant.
Coding change: c.1834T>A on transcript NM_170707.4 (MANE Select); coding-DNA position 1834, T replaced by A.
Protein change: p.Ser612Thr; replaces serine 612 with threonine.
Molecular consequence: missense variant. On other transcripts: intron variant (1).
Genome position (GRCh38, 1-based): chr1:156,138,623, T>A. VCF-style: chr1-156138623-T-A. GRCh37 (hg19) VCF-style: chr1-156108414-T-A.
Other names: c.1498T>A, p.Ser500Thr (NM_001257374.3, NM_001406989.1); c.1834T>A, p.Ser612Thr (NM_001406983.1, NM_001406985.1, NM_001406991.1); c.1591T>A, p.Ser531Thr (NM_001406986.1, NM_001406987.1); c.1537T>A, p.Ser513Thr (NM_001406988.1); c.1276T>A, p.Ser426Thr (NM_001406990.1, NM_001406993.1, NM_001406995.1 and 2 more transcripts); c.1210T>A, p.Ser404Thr (NM_001406994.1, NM_001406999.1, NM_001407000.1 and 1 more transcripts); c.1744T>A, p.Ser582Thr (NM_170708.4); c.1818+16T>A (NM_001282626.2); short protein forms S404T, S426T, S500T, S513T, S531T, S582T, S612T.
Identifiers: ClinVar variation 4799973 (VCV004799973.1).

ClinVar aggregate classification (germline): Uncertain significance (1 of 4 stars; one submission).

Conditions:
Charcot-Marie-Tooth disease type 2. Also called: Charcot-Marie-Tooth type 2. Identifiers: Orphanet 64746, MedGen C0270914, MONDO:0018993.

Submission:

Labcorp Genetics (formerly Invitae), Labcorp
Classification: Uncertain significance for Charcot-Marie-Tooth disease type 2. Last evaluated: 2025-03-16. Review status: criteria provided, single submitter. Criteria: Invitae Variant Classification Sherloc (09022015). Collection method: clinical testing. Allele origin: germline.
Comment: This sequence change replaces serine, which is neutral and polar, with threonine, which is neutral and polar, at codon 612 of the LMNA protein (p.Ser612Thr). This variant is not present in population databases (gnomAD no frequency). This variant has not been reported in the literature in individuals affected with LMNA-related conditions. Invitae Evidence Modeling of protein sequence and biophysical properties (such as structural, functional, and spatial information, amino acid conservation, physicochemical variation, residue mobility, and thermodynamic stability) indicates that this missense variant is expected to disrupt LMNA protein function with a positive predictive value of 80%. In summary, the available evidence is currently insufficient to determine the role of this variant in disease. Therefore, it has been classified as a Variant of Uncertain Significance.